The following is an entry in ClinVar:

ClinVar aggregate classification (germline): Uncertain significance. Review status: criteria provided, multiple submitters, no conflicts (2 of 4 stars). 2 submissions from 2 submitters: Uncertain significance (2). Last evaluated 2020-12-25.

Conditions:
Cardiomyopathy (CMYO). Also called: Cardiomyopathies. Identifiers: Orphanet 167848, MedGen C0878544, MONDO:0004994, HP:0001638. Inheritance: Various modes of inheritance.
Catecholaminergic polymorphic ventricular tachycardia 1. Also called: VENTRICULAR TACHYCARDIA, CATECHOLAMINERGIC POLYMORPHIC, 1, WITH OR WITHOUT ATRIAL DYSFUNCTION AND/OR DILATED CARDIOMYOPATHY; RYR2-Related Catecholaminergic Polymorphic Ventricular Tachycardia; VENTRICULAR TACHYCARDIA, STRESS-INDUCED POLYMORPHIC 1. Identifiers: Orphanet 3286, MedGen C1631597, MONDO:0011484, OMIM 604772.

Allele frequency attached by ClinVar (database versions not stated): gnomAD exomes below 0.00001 and 0.00001; TOPMed below 0.00001.
gnomAD v4.1: 2 of 1,574,984 alleles (0.00013%); highest among the groups gnomAD compares: South Asian, 0.0023%; no homozygotes.

Submissions (2):

Labcorp Genetics (formerly Invitae), Labcorp
Classification: Uncertain significance for Catecholaminergic polymorphic ventricular tachycardia 1. Last evaluated: 2020-12-25. Review status: criteria provided, single submitter. Criteria: Invitae Variant Classification Sherloc (09022015). Collection method: clinical testing. Allele origin: germline.
Comment: In summary, the available evidence is currently insufficient to determine the role of this variant in disease. Therefore, it has been classified as a Variant of Uncertain Significance. Advanced modeling of protein sequence and biophysical properties (such as structural, functional, and spatial information, amino acid conservation, physicochemical variation, residue mobility, and thermodynamic stability) performed at Invitae indicates that this missense variant is expected to disrupt RYR2 protein function. This variant has not been reported in the literature in individuals with RYR2-related conditions. ClinVar contains an entry for this variant (Variation ID: 919852). This variant is not present in population databases (ExAC no frequency). This sequence change replaces valine with alanine at codon 4509 of the RYR2 protein (p.Val4509Ala). The valine residue is highly conserved and there is a small physicochemical difference between valine and alanine.

Color Diagnostics, LLC DBA Color Health
Classification: Uncertain significance for Cardiomyopathy. Last evaluated: 2019-08-09. Review status: criteria provided, single submitter. Criteria: ACMG Guidelines, 2015. Collection method: clinical testing. Allele origin: germline.
Comment: This missense variant replaces valine with alanine at codon 4509 of the RYR2 protein. Computational prediction tools and conservation analyses suggest that this variant may have deleterious impact on the protein function. Computational splicing tools suggest that this variant may not impact RNA splicing. To our knowledge, functional assays have not been performed for this variant nor has this variant been reported in individuals affected with cardiovascular disorders in the literature. This variant has been identified in 2/199510 chromosomes in the general population by the Genome Aggregation Database (gnomAD). Available evidence is insufficient to determine the role of this variant in disease conclusively. Therefore, this variant is classified as a Variant of Uncertain Significance.

NM_001035.3(RYR2):c.13526T>C (p.Val4509Ala)

Gene: RYR2 (ryanodine receptor 2; plus strand). Cytogenetic location: 1q43.
Variant type: single nucleotide variant.
Coding change: c.13526T>C on transcript NM_001035.3 (MANE Select); coding-DNA position 13526, T replaced by C.
Protein change: p.Val4509Ala; replaces valine 4509 with alanine.
Molecular consequence: missense variant.
Genome position (GRCh38, 1-based): chr1:237,791,478, T>C. VCF-style: chr1-237791478-T-C. GRCh37 (hg19) VCF-style: chr1-237954778-T-C.
Other names: short protein forms V4509A.
Identifiers: ClinVar variation 919852 (VCV000919852.12), dbSNP rs1209033509, ClinGen allele CA345417157.